The following is an entry in ClinVar:

ClinVar aggregate classification (germline): Uncertain significance. Review status: criteria provided, multiple submitters, no conflicts (2 of 4 stars). 3 submissions from 3 submitters: Uncertain significance (2). 1 of the submissions does not count toward it. Last evaluated 2025-10-21.

Conditions:
Inborn genetic diseases. Identifiers: MedGen C0950123, MeSH D030342.
Mucopolysaccharidosis, MPS-III-C (MPS3C). Also called: MPS IIIC (Sanfilippo Syndrome Type C); MUCOPOLYSACCHARIDOSIS, TYPE IIIC; Mucopolysaccharidosis type IIIC (Sanfilippo C); mucopolysaccharidosis type 3C; SANFILIPPO SYNDROME C; MPS III C. Identifiers: Orphanet 581, Orphanet 79271, MedGen C0086649, MONDO:0009657, OMIM 252930.
Retinitis pigmentosa 73 (RP73). Identifiers: Orphanet 791, MedGen C4225287, MONDO:0014687, OMIM 616544.
Intellectual disability. Also called: intellectual disabilities; Intellectual developmental disorder; Intellectual functioning disability. Identifiers: MedGen C3714756, MeSH D008607, MONDO:0001071, HP:0001249.

Allele frequency attached by ClinVar (database versions not stated): TOPMed 0.00003; gnomAD 0.00005 and 0.00003; gnomAD exomes 0.00002 and 0.00004; ExAC 0.00003; 1000 Genomes Project 0.00040; 1000 Genomes Project 30x 0.00031.
gnomAD v4.1: 44 of 1,613,004 alleles (0.0027%); highest among the groups gnomAD compares: Middle Eastern, 0.017%; no homozygotes.

Submissions (3):

Ambry Genetics
Classification: Uncertain significance for Inborn genetic diseases. Last evaluated: 2025-10-21. Review status: criteria provided, single submitter. Criteria: Ambry Variant Classification Scheme 2023. Collection method: clinical testing. Allele origin: germline.

Labcorp Genetics (formerly Invitae), Labcorp
Classification: Uncertain significance for Retinitis pigmentosa 73; Mucopolysaccharidosis, MPS-III-C. Last evaluated: 2022-08-16. Review status: criteria provided, single submitter. Criteria: Invitae Variant Classification Sherloc (09022015). Collection method: clinical testing. Allele origin: germline.
Comment: This sequence change replaces isoleucine, which is neutral and non-polar, with valine, which is neutral and non-polar, at codon 110 of the HGSNAT protein (p.Ile110Val). This variant is present in population databases (rs138736400, gnomAD 0.006%). This variant has not been reported in the literature in individuals affected with HGSNAT-related conditions. ClinVar contains an entry for this variant (Variation ID: 975712). Advanced modeling of protein sequence and biophysical properties (such as structural, functional, and spatial information, amino acid conservation, physicochemical variation, residue mobility, and thermodynamic stability) performed at Invitae indicates that this missense variant is not expected to disrupt HGSNAT protein function. In summary, the available evidence is currently insufficient to determine the role of this variant in disease. Therefore, it has been classified as a Variant of Uncertain Significance.

Centre de Biologie Pathologie Génétique, Centre Hospitalier Universitaire de Lille
Classification: Likely benign for Intellectual disability. Last evaluated: 2019-01-01. Review status: no assertion criteria provided. Collection method: clinical testing. Allele origin: inherited. Affected: yes. Not counted in ClinVar's aggregate classification.

NM_152419.3(HGSNAT):c.328A>G (p.Ile110Val)

Gene: HGSNAT (heparan-alpha-glucosaminide N-acetyltransferase; plus strand). Cytogenetic location: 8p11.21.
Variant type: single nucleotide variant.
Coding change: c.328A>G on transcript NM_152419.3 (MANE Select); coding-DNA position 328, A replaced by G.
Protein change: p.Ile110Val; replaces isoleucine 110 with valine.
Molecular consequence: missense variant. On other transcripts: 5 prime UTR variant (1).
Genome position (GRCh38, 1-based): chr8:43,158,668, A>G. VCF-style: chr8-43158668-A-G. GRCh37 (hg19) VCF-style: chr8-43013811-A-G.
Other names: c.328A>G, p.Ile110Val (NM_001363227.2, NM_001363228.2); c.-506A>G (NM_001363229.2); short protein forms I110V.
Identifiers: ClinVar variation 975712 (VCV000975712.5), dbSNP rs138736400, ClinGen allele CA4736483.
Genomic context (GRCh38, chr8:43,158,668, plus strand): 5'-AGTCCAAAAGCAGGGAAGCCTAGTGCTGCAGCTGCCTCTGTCAGCACCCAGCACGGATCT[A>G]TCCTGCAGCTGAACGACACCTTGGAAGAGAAAGAAGTTTGTAGGTTTGTGCCTGCTTTGT-3'
Protein context (NP_689632.2, residues 100-120): AASVSTQHGS[Ile110Val]LQLNDTLEEK